The following is an entry in ClinVar:

ClinVar aggregate classification (germline): Pathogenic. Review status: criteria provided, multiple submitters, no conflicts (2 of 4 stars). 2 submissions from 2 submitters: Pathogenic (2). Last evaluated 2022-06-01.

Submissions (2):

CeGaT Center for Human Genetics Tuebingen
Classification: Pathogenic. Last evaluated: 2022-06-01. Review status: criteria provided, single submitter. Criteria: CeGaT Center For Human Genetics Tuebingen Variant Classification Criteria Version 2. Collection method: clinical testing. Allele origin: germline. Affected: yes. Observed: 2 variant alleles.
Comment: CHM: PP1:Strong, PM2, PM4:Supporting, PP4, PS3:Supporting, PS4:Supporting

Institute of Medical Genetics and Applied Genomics, University Hospital Tübingen
Classification: Pathogenic. Last evaluated: 2020-10-23. Review status: criteria provided, single submitter. Criteria: ACMG Guidelines, 2015. Collection method: clinical testing. Allele origin: germline. Inheritance: Unknown mechanism. Affected: yes.

NM_000390.4(CHM):c.315-4587T>A

Gene: CHM (CHM Rab escort protein; minus strand). Cytogenetic location: Xq21.2.
Variant type: single nucleotide variant.
Coding change: c.315-4587T>A on transcript NM_000390.4 (MANE Select); 4587 bases into the intron before coding-DNA position 315, T replaced by A.
Molecular consequence: intron variant.
Genome position (GRCh38, 1-based): chrX:85,968,639, A>T on the plus strand (T>A on the coding strand, the complement: CHM is on the minus strand). VCF-style: chrX-85968639-A-T. GRCh37 (hg19) VCF-style: chrX-85223644-A-T.
Other names: c.-126-4591T>A (NM_001362519.1, NM_001362518.2); c.-130-4587T>A (NM_001362517.1, NM_001320959.1).
Identifiers: ClinVar variation 987338 (VCV000987338.33), dbSNP rs1930707138, ClinGen allele CA1139667683.